The following is an entry in ClinVar:

NM_000264.5(PTCH1):c.2707A>G (p.Thr903Ala)

Gene: PTCH1 (patched 1; minus strand). Cytogenetic location: 9q22.32.
Variant type: single nucleotide variant.
Coding change: c.2707A>G on transcript NM_000264.5 (MANE Select); coding-DNA position 2707, A replaced by G.
Protein change: p.Thr903Ala; replaces threonine 903 with alanine.
Molecular consequence: missense variant. On other transcripts: non-coding transcript variant (1).
Genome position (GRCh38, 1-based): chr9:95,459,780, T>C on the plus strand (A>G on the coding strand, the complement: PTCH1 is on the minus strand). VCF-style: chr9-95459780-T-C. GRCh37 (hg19) VCF-style: chr9-98222062-T-C.
Other names: c.2509A>G, p.Thr837Ala (NM_001083602.3); c.2704A>G, p.Thr902Ala (NM_001083603.3); c.2254A>G, p.Thr752Ala (NM_001083604.3, NM_001083605.3, NM_001083606.3 and 1 more transcripts); c.2551A>G, p.Thr851Ala (NM_001354918.2); short protein forms T752A, T837A, T851A, T902A, T903A.
Identifiers: ClinVar variation 2427481 (VCV002427481.11), dbSNP rs2136673414, ClinGen allele CA374113255.

ClinVar aggregate classification (germline): Uncertain significance. Review status: criteria provided, multiple submitters, no conflicts (2 of 4 stars). 2 submissions from 2 submitters: Uncertain significance (2). Last evaluated 2025-08-27.

Conditions:
Hereditary cancer-predisposing syndrome. Also called: Hereditary neoplastic syndrome; Hereditary Cancer Syndrome; Tumor predisposition; Neoplastic Syndromes, Hereditary. Identifiers: Orphanet 140162, MedGen C0027672, MeSH D009386, MONDO:0015356.
Gorlin syndrome. Also called: Nevoid Basal Cell Carcinoma Syndrome; Basal cell nevus syndrome. Identifiers: Orphanet 377, MedGen C0004779, MONDO:0007187.

Submissions (2):

Labcorp Genetics (formerly Invitae), Labcorp
Classification: Uncertain significance for Gorlin syndrome. Last evaluated: 2025-08-27. Review status: criteria provided, single submitter. Criteria: Invitae Variant Classification Sherloc (09022015). Collection method: clinical testing. Allele origin: germline.
Comment: This sequence change replaces threonine, which is neutral and polar, with alanine, which is neutral and non-polar, at codon 903 of the PTCH1 protein (p.Thr903Ala). This variant is not present in population databases (gnomAD no frequency). This variant has not been reported in the literature in individuals affected with PTCH1-related conditions. ClinVar contains an entry for this variant (Variation ID: 2427481). Invitae Evidence Modeling of protein sequence and biophysical properties (such as structural, functional, and spatial information, amino acid conservation, physicochemical variation, residue mobility, and thermodynamic stability) indicates that this missense variant is not expected to disrupt PTCH1 protein function with a negative predictive value of 95%. In summary, the available evidence is currently insufficient to determine the role of this variant in disease. Therefore, it has been classified as a Variant of Uncertain Significance.

Ambry Genetics
Classification: Uncertain significance for Hereditary cancer-predisposing syndrome. Last evaluated: 2023-09-04. Review status: criteria provided, single submitter. Criteria: Ambry Variant Classification Scheme 2023. Collection method: clinical testing. Allele origin: germline.
Comment: The p.T903A variant (also known as c.2707A>G), located in coding exon 17 of the PTCH1 gene, results from an A to G substitution at nucleotide position 2707. The threonine at codon 903 is replaced by alanine, an amino acid with similar properties. This amino acid position is conserved. In addition, the in silico prediction for this alteration is inconclusive. Since supporting evidence is limited at this time, the clinical significance of this alteration remains unclear.